The following is an entry in ClinVar:

NM_020433.5(JPH2):c.1936A>G (p.Thr646Ala)

Gene: JPH2 (junctophilin 2; minus strand). Cytogenetic location: 20q13.12.
Variant type: single nucleotide variant.
Coding change: c.1936A>G on transcript NM_020433.5 (MANE Select); coding-DNA position 1936, A replaced by G.
Protein change: p.Thr646Ala; replaces threonine 646 with alanine.
Molecular consequence: missense variant.
Genome position (GRCh38, 1-based): chr20:44,115,739, T>C on the plus strand (A>G on the coding strand, the complement: JPH2 is on the minus strand). VCF-style: chr20-44115739-T-C. GRCh37 (hg19) VCF-style: chr20-42744379-T-C.
Other names: short protein forms T646A.
Identifiers: ClinVar variation 2864543 (VCV002864543.3), dbSNP rs747762930, ClinGen allele CA409099643.

ClinVar aggregate classification (germline): Uncertain significance (1 of 4 stars; one submission).

Conditions:
Hypertrophic cardiomyopathy. Also called: HYPERTROPHIC MYOCARDIOPATHY. Identifiers: Orphanet 217569, MedGen C0007194, MeSH D002312, MONDO:0005045, HP:0001639.

Submission:

Labcorp Genetics (formerly Invitae), Labcorp
Classification: Uncertain significance for Hypertrophic cardiomyopathy. Last evaluated: 2023-05-16. Review status: criteria provided, single submitter. Criteria: Invitae Variant Classification Sherloc (09022015). Collection method: clinical testing. Allele origin: germline.
Comment: In summary, the available evidence is currently insufficient to determine the role of this variant in disease. Therefore, it has been classified as a Variant of Uncertain Significance. Algorithms developed to predict the effect of missense changes on protein structure and function output the following: SIFT: "Not Available"; PolyPhen-2: "Benign"; Align-GVGD: "Not Available". The alanine amino acid residue is found in multiple mammalian species, which suggests that this missense change does not adversely affect protein function. This variant has not been reported in the literature in individuals affected with JPH2-related conditions. This variant is not present in population databases (gnomAD no frequency). This sequence change replaces threonine, which is neutral and polar, with alanine, which is neutral and non-polar, at codon 646 of the JPH2 protein (p.Thr646Ala).